The following is an entry in ClinVar:

ClinVar aggregate classification (germline): Pathogenic (1 of 4 stars; one submission).

Conditions:
Pyruvate carboxylase deficiency. Also called: LEIGH NECROTIZING ENCEPHALOPATHY DUE TO PYRUVATE CARBOXYLASE DEFICIENCY; LEIGH SYNDROME DUE TO PYRUVATE CARBOXYLASE DEFICIENCY; PC DEFICIENCY; ATAXIA WITH LACTIC ACIDOSIS II; Pyruvate Carboxylase Deficiency Disease. Identifiers: Orphanet 3008, MedGen C0034341, MONDO:0009949, OMIM 266150.

Submission:

Labcorp Genetics (formerly Invitae), Labcorp
Classification: Pathogenic for Pyruvate carboxylase deficiency. Last evaluated: 2020-12-04. Review status: criteria provided, single submitter. Criteria: Invitae Variant Classification Sherloc (09022015). Collection method: clinical testing. Allele origin: germline.
Comment: This variant has not been reported in the literature in individuals with PC-related conditions. This variant is not present in population databases (ExAC no frequency). This sequence change creates a premature translational stop signal (p.Ala1064Profs*2) in the PC gene. It is expected to result in an absent or disrupted protein product. Loss-of-function variants in PC are known to be pathogenic (PMID: 12112657, 19306334). For these reasons, this variant has been classified as Pathogenic.

Literature cited by the submitters: PubMed 12112657; PubMed 19306334.

NM_001040716.2(PC):c.3190del (p.Ala1064fs)

Gene: PC (pyruvate carboxylase; minus strand). Cytogenetic location: 11q13.2.
Variant type: Deletion.
Coding change: c.3190del on transcript NM_001040716.2 (MANE Select); coding-DNA position 3190, one base deleted (G; older notation c.3190delG).
Protein change: p.Ala1064fs; shifts the reading frame from alanine 1064.
Molecular consequence: frameshift variant.
Genome position (GRCh38, 1-based): chr11:66,849,328, C deleted on the plus strand (G on the coding strand, the reverse complement: PC is on the minus strand); the first of 2 consecutive C bases (chr11:66,849,328-66,849,329); deleting either gives the same sequence. VCF-style (leftmost placement, unchanged base first): chr11-66849327-GC-G. GRCh37 (hg19) VCF-style: chr11-66616798-GC-G.
Other names: c.3190del, p.Ala1064fs (NM_000920.4, NM_022172.3); short protein forms A1064fs.
Identifiers: ClinVar variation 1359632 (VCV001359632.6), dbSNP rs2135786512, ClinGen allele CA2573147591.